The following is an entry in ClinVar:

ClinVar aggregate classification (germline): Uncertain significance (1 of 4 stars; one submission).

Conditions:
Stickler syndrome type 2 (STL2). Also called: COL11A1-Related Stickler Syndrome; STICKLER SYNDROME, TYPE II; STICKLER SYNDROME, BEADED VITREOUS TYPE; STICKLER SYNDROME, VITREOUS TYPE 2. Identifiers: Orphanet 828, Orphanet 90654, MedGen C1858084, MONDO:0011493, OMIM 604841.
Fibrochondrogenesis 1 (FBCG1). Identifiers: Orphanet 2021, MedGen C3278138, MONDO:0009226, OMIM 228520.
Hearing loss, autosomal dominant 37. Also called: DEAFNESS, AUTOSOMAL DOMINANT 37. Identifiers: MedGen C4760307, MONDO:0032802, OMIM 618533.
Marshall syndrome (MRSHS). Identifiers: Orphanet 560, MedGen C0265235, MONDO:0007949, OMIM 154780.

gnomAD v4.1: 1 of 1,613,038 alleles (0.000062%); highest among the groups gnomAD compares: East Asian, 0.0022%; no homozygotes.

Submission:

Labcorp Genetics (formerly Invitae), Labcorp
Classification: Uncertain significance. Last evaluated: 2024-04-18. Review status: criteria provided, single submitter. Criteria: Invitae Variant Classification Sherloc (09022015). Collection method: clinical testing. Allele origin: germline.
Comment: This sequence change replaces proline, which is neutral and non-polar, with threonine, which is neutral and polar, at codon 920 of the COL11A1 protein (p.Pro920Thr). This variant is not present in population databases (gnomAD no frequency). This variant has not been reported in the literature in individuals affected with COL11A1-related conditions. ClinVar contains an entry for this variant (Variation ID: 1975906). Advanced modeling of protein sequence and biophysical properties (such as structural, functional, and spatial information, amino acid conservation, physicochemical variation, residue mobility, and thermodynamic stability) performed at Invitae indicates that this missense variant is not expected to disrupt COL11A1 protein function with a negative predictive value of 95%. In summary, the available evidence is currently insufficient to determine the role of this variant in disease. Therefore, it has been classified as a Variant of Uncertain Significance.

NM_001854.4(COL11A1):c.2758C>A (p.Pro920Thr)

Gene: COL11A1 (collagen type XI alpha 1 chain; minus strand). Cytogenetic location: 1p21.1.
Variant type: single nucleotide variant.
Coding change: c.2758C>A on transcript NM_001854.4 (MANE Select); coding-DNA position 2758, C replaced by A.
Protein change: p.Pro920Thr; replaces proline 920 with threonine.
Molecular consequence: missense variant. On other transcripts: non-coding transcript variant (1).
Genome position (GRCh38, 1-based): chr1:102,974,880, G>T on the plus strand (C>A on the coding strand, the complement: COL11A1 is on the minus strand). VCF-style: chr1-102974880-G-T. GRCh37 (hg19) VCF-style: chr1-103440436-G-T.
Other names: c.2758C>A (NM_001854.3); c.2410C>A, p.Pro804Thr (NM_001168249.1, NM_080630.4); c.2641C>A, p.Pro881Thr (NM_001190709.2); c.2794C>A, p.Pro932Thr (NM_080629.3); short protein forms P932T, P804T, P881T, P920T.
Identifiers: ClinVar variation 1975906 (VCV001975906.6), dbSNP rs1662318144, ClinGen allele CA341162230.